The following is an entry in ClinVar:

ClinVar aggregate classification (germline): Uncertain significance (1 of 4 stars; one submission).

gnomAD v4.1: 1 of 1,613,970 alleles (0.000062%); highest among the groups gnomAD compares: Non-Finnish European, 0.000085%; no homozygotes.

Submission:

Labcorp Genetics (formerly Invitae), Labcorp
Classification: Uncertain significance. Last evaluated: 2025-03-27. Review status: criteria provided, single submitter. Criteria: Invitae Variant Classification Sherloc (09022015). Collection method: clinical testing. Allele origin: germline.
Comment: This sequence change replaces threonine, which is neutral and polar, with serine, which is neutral and polar, at codon 560 of the ADCY1 protein (p.Thr560Ser). This variant is not present in population databases (gnomAD no frequency). This variant has not been reported in the literature in individuals affected with ADCY1-related conditions. Invitae Evidence Modeling of protein sequence and biophysical properties (such as structural, functional, and spatial information, amino acid conservation, physicochemical variation, residue mobility, and thermodynamic stability) indicates that this missense variant is not expected to disrupt ADCY1 protein function with a negative predictive value of 80%. In summary, the available evidence is currently insufficient to determine the role of this variant in disease. Therefore, it has been classified as a Variant of Uncertain Significance.

NM_021116.4(ADCY1):c.1678A>T (p.Thr560Ser)

Gene: ADCY1 (adenylate cyclase 1; plus strand). Cytogenetic location: 7p12.3.
Variant type: single nucleotide variant.
Coding change: c.1678A>T on transcript NM_021116.4 (MANE Select); coding-DNA position 1678, A replaced by T.
Protein change: p.Thr560Ser; replaces threonine 560 with serine.
Molecular consequence: missense variant.
Genome position (GRCh38, 1-based): chr7:45,677,941, A>T. VCF-style: chr7-45677941-A-T. GRCh37 (hg19) VCF-style: chr7-45717540-A-T.
Other names: short protein forms T560S.
Identifiers: ClinVar variation 3650832 (VCV003650832.2).
Genomic context (GRCh38, chr7:45,677,941, plus strand): 5'-AGAACAGCCTCGGAAAAACTCAGAAACCGCTCATCTTTTTCTACCAACGTTGTCTACACC[A>T]CCCCGGGCACTCGCGTCAACAGGTACATCAGCCGCCTCTTAGAAGCCCGCCAGACAGAGC-3'
Protein context (NP_066939.1, residues 550-570): SSFSTNVVYT[Thr560Ser]PGTRVNRYIS